The following is an entry in ClinVar:

ClinVar aggregate classification (germline): Conflicting classifications of pathogenicity. Review status: criteria provided, conflicting classifications (1 of 4 stars). 2 submissions from 2 submitters: Uncertain significance (1); Benign (1). Last evaluated 2025-09-30.

Conditions:
Episodic ataxia type 6. Identifiers: Orphanet 209967, MedGen C2675211, MONDO:0012982, OMIM 612656.

Allele frequency attached by ClinVar (database versions not stated): TOPMed 0.00002; gnomAD exomes 0.00007; ExAC 0.00008.
gnomAD v4.1: 52 of 1,614,050 alleles (0.0032%); highest among the groups gnomAD compares: South Asian, 0.052%; 1 homozygote.

Submissions (2):

Labcorp Genetics (formerly Invitae), Labcorp
Classification: Uncertain significance. Last evaluated: 2025-09-30. Review status: criteria provided, single submitter. Criteria: Invitae Variant Classification Sherloc (09022015). Collection method: clinical testing. Allele origin: germline.
Comment: This sequence change replaces valine, which is neutral and non-polar, with alanine, which is neutral and non-polar, at codon 217 of the SLC1A3 protein (p.Val217Ala). This variant is present in population databases (rs772789166, gnomAD 0.06%), and has an allele count higher than expected for a pathogenic variant. This variant has not been reported in the literature in individuals affected with SLC1A3-related conditions. ClinVar contains an entry for this variant (Variation ID: 906385). An algorithm developed to predict the effect of missense changes on protein structure and function (PolyPhen-2) suggests that this variant is likely to be tolerated. In summary, the available evidence is currently insufficient to determine the role of this variant in disease. Therefore, it has been classified as a Variant of Uncertain Significance.

Illumina Laboratory Services, Illumina
Classification: Benign for Episodic ataxia type 6. Last evaluated: 2018-01-13. Review status: criteria provided, single submitter. Criteria: ICSL Variant Classification Criteria 13 December 2019. Collection method: clinical testing. Allele origin: germline.
Comment: This variant was observed in the ICSL laboratory as part of a predisposition screen in an ostensibly healthy population. It had not been previously curated by ICSL or reported in the Human Gene Mutation Database (HGMD: prior to June 1st, 2018), and was therefore a candidate for classification through an automated scoring system. Utilizing variant allele frequency, disease prevalence and penetrance estimates, and inheritance mode, an automated score was calculated to assess if this variant is too frequent to cause the disease. Based on the score and internal cut-off values, a variant classified as benign is not then subjected to further curation. The score for this variant resulted in a classification of benign for this disease.

NM_004172.5(SLC1A3):c.650T>C (p.Val217Ala)

Genes: SLC1A3-AS1 (SLC1A3 antisense RNA 1; minus strand), SLC1A3 (solute carrier family 1 member 3; plus strand). Cytogenetic location: 5p13.2.
Variant type: single nucleotide variant.
Coding change: c.650T>C on transcript NM_004172.5 (MANE Select); coding-DNA position 650, T replaced by C.
Protein change: p.Val217Ala; replaces valine 217 with alanine.
Molecular consequence: missense variant. On other transcripts: intron variant (1).
Genome position (GRCh38, 1-based): chr5:36,676,974, T>C. VCF-style: chr5-36676974-T-C. GRCh37 (hg19) VCF-style: chr5-36677076-T-C.
Other names: c.650T>C, p.Val217Ala (NM_001166695.3); c.512T>C, p.Val171Ala (NM_001289939.2); c.525-2653T>C (NM_001289940.2); short protein forms V171A, V217A.
Identifiers: ClinVar variation 906385 (VCV000906385.9), dbSNP rs772789166, ClinGen allele CA3235513.